The following is an entry in ClinVar:

NM_001148.6(ANK2):c.6407T>A (p.Phe2136Tyr)

Gene: ANK2 (ankyrin 2; plus strand). Cytogenetic location: 4q26.
Variant type: single nucleotide variant.
Coding change: c.6407T>A on transcript NM_001148.6 (MANE Select); coding-DNA position 6407, T replaced by A.
Protein change: p.Phe2136Tyr; replaces phenylalanine 2136 with tyrosine.
Molecular consequence: missense variant. On other transcripts: intron variant (68).
Genome position (GRCh38, 1-based): chr4:113,355,025, T>A. VCF-style: chr4-113355025-T-A. GRCh37 (hg19) VCF-style: chr4-114276181-T-A.
Other names: c.6173T>A, p.Phe2058Tyr (NM_001386142.1); c.2807T>A, p.Phe936Tyr (NM_001386166.1); c.6548T>A, p.Phe2183Tyr (NM_001386174.1); c.6524T>A, p.Phe2175Tyr (NM_001386175.1); c.4411+4776T>A (NM_001386186.2, NM_001386148.2); c.4213+4776T>A (NM_001354269.3); c.4291+4776T>A (NM_001386187.2); c.4252+4776T>A (NM_001386147.1); and 35 more; short protein forms F2175Y, F936Y, F2058Y, F2136Y, F2183Y.
Identifiers: ClinVar variation 3864005 (VCV003864005.1).

ClinVar aggregate classification (germline): Uncertain significance (1 of 4 stars; one submission).

Conditions:
Cardiovascular phenotype. Identifiers: MedGen CN230736.

Submission:

Ambry Genetics
Classification: Uncertain significance for Cardiovascular phenotype. Last evaluated: 2025-01-06. Review status: criteria provided, single submitter. Criteria: Ambry Variant Classification Scheme 2023. Collection method: clinical testing. Allele origin: germline.
Comment: The p.F2136Y variant (also known as c.6407T>A), located in coding exon 38 of the ANK2 gene, results from a T to A substitution at nucleotide position 6407. The phenylalanine at codon 2136 is replaced by tyrosine, an amino acid with highly similar properties. This amino acid position is conserved. In addition, the in silico prediction for this alteration is inconclusive. Based on the available evidence, the clinical significance of this variant remains unclear.